The following is an entry in ClinVar:

NM_152722.5(HEPACAM):c.1139G>C (p.Arg380Thr)

Gene: HEPACAM (hepatic and glial cell adhesion molecule; minus strand). Cytogenetic location: 11q24.2.
Variant type: single nucleotide variant.
Coding change: c.1139G>C on transcript NM_152722.5 (MANE Select); coding-DNA position 1139, G replaced by C.
Protein change: p.Arg380Thr; replaces arginine 380 with threonine.
Molecular consequence: missense variant.
Genome position (GRCh38, 1-based): chr11:124,921,250, C>G on the plus strand (G>C on the coding strand, the complement: HEPACAM is on the minus strand). VCF-style: chr11-124921250-C-G. GRCh37 (hg19) VCF-style: chr11-124791146-C-G.
Other names: c.1295G>C, p.Arg432Thr (NM_001411043.1); c.1139G>C (NM_152722.4); short protein forms R380T, R432T.
Identifiers: ClinVar variation 3610206 (VCV003610206.3).
Genomic context (GRCh38, chr11:124,921,250, plus strand): 5'-ACGCCCGCAGTCCGCAGTGTGCGCGAGGCGCTGCGCGAGCGGCCGGGCGAGCTCGGGGCC[C>G]TGGGCGGCGACGAGTGTGTCCGGCCGGTGGCTGGGGAGCGCGCTGGGGAGCGCGGGTAGC-3'
Protein context (NP_689935.2, residues 370-390): ATGRTHSSPP[Arg380Thr]APSSPGRSRS

ClinVar aggregate classification (germline): Uncertain significance. Review status: criteria provided, multiple submitters, no conflicts (2 of 4 stars). 2 submissions from 2 submitters: Uncertain significance (2). Last evaluated 2024-12-11.

Conditions:
Inborn genetic diseases. Identifiers: MedGen C0950123, MeSH D030342.

gnomAD v4.1: 9 of 1,442,356 alleles (0.00062%); highest among the groups gnomAD compares: African/African-American, 0.013%; no homozygotes.

Submissions (2):

Ambry Genetics
Classification: Uncertain significance for Inborn genetic diseases. Last evaluated: 2024-12-11. Review status: criteria provided, single submitter. Criteria: Ambry Variant Classification Scheme 2023. Collection method: clinical testing. Allele origin: germline.

Labcorp Genetics (formerly Invitae), Labcorp
Classification: Uncertain significance. Last evaluated: 2024-05-07. Review status: criteria provided, single submitter. Criteria: Invitae Variant Classification Sherloc (09022015). Collection method: clinical testing. Allele origin: germline.
Comment: This sequence change replaces arginine, which is basic and polar, with threonine, which is neutral and polar, at codon 380 of the HEPACAM protein (p.Arg380Thr). This variant is present in population databases (no rsID available, gnomAD 0.02%). This variant has not been reported in the literature in individuals affected with HEPACAM-related conditions. An algorithm developed to predict the effect of missense changes on protein structure and function (PolyPhen-2) suggests that this variant is likely to be disruptive. In summary, the available evidence is currently insufficient to determine the role of this variant in disease. Therefore, it has been classified as a Variant of Uncertain Significance.